The following is an entry in ClinVar:

ClinVar aggregate classification (germline): Uncertain significance (1 of 4 stars; one submission).

Allele frequency attached by ClinVar (database versions not stated): ExAC 0.00001; gnomAD 0.00001; TOPMed 0.00004; 1000 Genomes Project 30x 0.00016; 1000 Genomes Project 0.00020.
gnomAD v4.1: 3 of 1,611,246 alleles (0.00019%); highest among the groups gnomAD compares: Admixed American, 0.005%; no homozygotes.

Submission:

Labcorp Genetics (formerly Invitae), Labcorp
Classification: Uncertain significance. Last evaluated: 2023-12-16. Review status: criteria provided, single submitter. Criteria: Invitae Variant Classification Sherloc (09022015). Collection method: clinical testing. Allele origin: germline.
Comment: This sequence change replaces alanine, which is neutral and non-polar, with glycine, which is neutral and non-polar, at codon 544 of the SETD1A protein (p.Ala544Gly). This variant is present in population databases (rs199846877, gnomAD 0.006%). This variant has not been reported in the literature in individuals affected with SETD1A-related conditions. ClinVar contains an entry for this variant (Variation ID: 2184689). An algorithm developed to predict the effect of missense changes on protein structure and function (PolyPhen-2) suggests that this variant is likely to be disruptive. In summary, the available evidence is currently insufficient to determine the role of this variant in disease. Therefore, it has been classified as a Variant of Uncertain Significance.

NM_014712.3(SETD1A):c.1631C>G (p.Ala544Gly)

Gene: SETD1A (SET domain containing 1A, histone lysine methyltransferase; plus strand). Cytogenetic location: 16p11.2.
Variant type: single nucleotide variant.
Coding change: c.1631C>G on transcript NM_014712.3 (MANE Select); coding-DNA position 1631, C replaced by G.
Protein change: p.Ala544Gly; replaces alanine 544 with glycine.
Molecular consequence: missense variant.
Genome position (GRCh38, 1-based): chr16:30,965,373, C>G. VCF-style: chr16-30965373-C-G. GRCh37 (hg19) VCF-style: chr16-30976694-C-G.
Other names: short protein forms A544G.
Identifiers: ClinVar variation 2184689 (VCV002184689.4), dbSNP rs199846877, ClinGen allele CA8016712.